The following is an entry in ClinVar:

ClinVar aggregate classification (germline): Uncertain significance (1 of 4 stars; one submission).

Allele frequency attached by ClinVar (database versions not stated): gnomAD exomes 0.00001; ExAC 0.00002.
gnomAD v4.1: 3 of 1,572,658 alleles (0.00019%); highest among the groups gnomAD compares: Middle Eastern, 0.018%; no homozygotes.

Submission:

Labcorp Genetics (formerly Invitae), Labcorp
Classification: Uncertain significance. Last evaluated: 2022-04-15. Review status: criteria provided, single submitter. Criteria: Invitae Variant Classification Sherloc (09022015). Collection method: clinical testing. Allele origin: germline.
Comment: This sequence change replaces asparagine, which is neutral and polar, with serine, which is neutral and polar, at codon 1302 of the LTBP4 protein (p.Asn1302Ser). In summary, the available evidence is currently insufficient to determine the role of this variant in disease. Therefore, it has been classified as a Variant of Uncertain Significance. Experimental studies and prediction algorithms are not available or were not evaluated, and the functional significance of this variant is currently unknown. This variant has not been reported in the literature in individuals affected with LTBP4-related conditions. The frequency data for this variant in the population databases is considered unreliable, as metrics indicate poor data quality at this position in the gnomAD database.

NM_001042545.2(LTBP4):c.3815A>G (p.Asn1272Ser)

Gene: LTBP4 (latent transforming growth factor beta binding protein 4; plus strand). Cytogenetic location: 19q13.2.
Variant type: single nucleotide variant.
Coding change: c.3815A>G on transcript NM_001042545.2 (MANE Select); coding-DNA position 3815, A replaced by G.
Protein change: p.Asn1272Ser; replaces asparagine 1272 with serine.
Molecular consequence: missense variant.
Genome position (GRCh38, 1-based): chr19:40,624,065, A>G. VCF-style: chr19-40624065-A-G. GRCh37 (hg19) VCF-style: chr19-41129970-A-G.
Other names: c.4016A>G, p.Asn1339Ser (NM_001042544.1); c.3905A>G, p.Asn1302Ser (NM_003573.2); short protein forms N1302S, N1272S, N1339S.
Identifiers: ClinVar variation 2060522 (VCV002060522.3), dbSNP rs766422441, ClinGen allele CA9449137.